The following is an entry in ClinVar:

NM_001270508.2(TNFAIP3):c.2244C>A (p.His748Gln)

Gene: TNFAIP3 (TNF alpha induced protein 3; plus strand). Cytogenetic location: 6q23.3.
Variant type: single nucleotide variant.
Coding change: c.2244C>A on transcript NM_001270508.2 (MANE Select); coding-DNA position 2244, C replaced by A.
Protein change: p.His748Gln; replaces histidine 748 with glutamine.
Molecular consequence: missense variant.
Genome position (GRCh38, 1-based): chr6:137,881,190, C>A. VCF-style: chr6-137881190-C-A. GRCh37 (hg19) VCF-style: chr6-138202327-C-A.
Other names: c.2244C>A, p.His748Gln (NM_006290.4, NM_001270507.2); short protein forms H748Q.
Identifiers: ClinVar variation 1443350 (VCV001443350.6), dbSNP rs778784894, ClinGen allele CA4019824.

ClinVar aggregate classification (germline): Uncertain significance (1 of 4 stars; one submission).

Allele frequency attached by ClinVar (database versions not stated): TOPMed below 0.00001; ExAC 0.00003; gnomAD exomes 0.00003.
gnomAD v4.1: 12 of 1,613,454 alleles (0.00074%); highest among the groups gnomAD compares: Admixed American, 0.02%; no homozygotes.

Submission:

Labcorp Genetics (formerly Invitae), Labcorp
Classification: Uncertain significance. Last evaluated: 2023-07-10. Review status: criteria provided, single submitter. Criteria: Invitae Variant Classification Sherloc (09022015). Collection method: clinical testing. Allele origin: germline.
Comment: In summary, the available evidence is currently insufficient to determine the role of this variant in disease. Therefore, it has been classified as a Variant of Uncertain Significance. An algorithm developed to predict the effect of missense changes on protein structure and function (PolyPhen-2) suggests that this variant is likely to be tolerated. ClinVar contains an entry for this variant (Variation ID: 1443350). This variant has not been reported in the literature in individuals affected with TNFAIP3-related conditions. This variant is present in population databases (rs778784894, gnomAD 0.03%). This sequence change replaces histidine, which is basic and polar, with glutamine, which is neutral and polar, at codon 748 of the TNFAIP3 protein (p.His748Gln).